The following is an entry in ClinVar:

NM_001287491.2(TET3):c.3364G>T (p.Asp1122Tyr)

Gene: TET3 (tet methylcytosine dioxygenase 3; plus strand). Cytogenetic location: 2p13.1.
Variant type: single nucleotide variant.
Coding change: c.3364G>T on transcript NM_001287491.2 (MANE Select); coding-DNA position 3364, G replaced by T.
Protein change: p.Asp1122Tyr; replaces aspartic acid 1122 with tyrosine.
Molecular consequence: missense variant.
Genome position (GRCh38, 1-based): chr2:74,099,372, G>T. VCF-style: chr2-74099372-G-T. GRCh37 (hg19) VCF-style: chr2-74326499-G-T.
Other names: c.3085G>T, p.Asp1029Tyr (NM_001366022.1); short protein forms D1029Y, D1122Y.
Identifiers: ClinVar variation 4823738 (VCV004823738.4).

ClinVar aggregate classification (germline): Uncertain significance (1 of 4 stars; one submission).

Submission:

CeGaT Center for Human Genetics Tuebingen
Classification: Uncertain significance. Last evaluated: 2026-03-01. Review status: criteria provided, single submitter. Criteria: CeGaT Center For Human Genetics Tuebingen Variant Classification Criteria Version 2. Collection method: clinical testing. Allele origin: germline. Affected: yes. Observed: 2 variant alleles.
Comment: TET3: PM2, PP2